The following is an entry in ClinVar:

ClinVar aggregate classification (germline): Uncertain significance. Review status: criteria provided, multiple submitters, no conflicts (2 of 4 stars). 2 submissions from 2 submitters: Uncertain significance (2). Last evaluated 2024-07-09.

Conditions:
Intellectual disability, autosomal recessive 53 (NEDHSCA). Also called: NEURODEVELOPMENTAL DISORDER WITH OR WITHOUT HYPOTONIA, SEIZURES, AND CEREBELLAR ATROPHY; GLYCOSYLPHOSPHATIDYLINOSITOL BIOSYNTHESIS DEFECT 13; Mental retardation, autosomal recessive 53. Identifiers: Orphanet 488635, MedGen C4310794, MONDO:0014832, OMIM 616917.

Allele frequency attached by ClinVar (database versions not stated): gnomAD exomes below 0.00001; TOPMed below 0.00001; ExAC 0.00001; gnomAD 0.00001.
gnomAD v4.1: 4 of 1,613,630 alleles (0.00025%); highest among the groups gnomAD compares: Non-Finnish European, 0.00034%; no homozygotes.

Submissions (2):

GeneDx
Classification: Uncertain significance. Last evaluated: 2024-07-09. Review status: criteria provided, single submitter. Criteria: GeneDx Variant Classification Process June 2021. Collection method: clinical testing. Allele origin: germline. Affected: yes.
Comment: Not observed at significant frequency in large population cohorts (gnomAD); In silico analysis indicates that this missense variant does not alter protein structure/function; Has not been previously published as pathogenic or benign to our knowledge

Labcorp Genetics (formerly Invitae), Labcorp
Classification: Uncertain significance for Intellectual disability, autosomal recessive 53. Last evaluated: 2022-01-17. Review status: criteria provided, single submitter. Criteria: Invitae Variant Classification Sherloc (09022015). Collection method: clinical testing. Allele origin: germline.
Comment: This sequence change replaces leucine, which is neutral and non-polar, with valine, which is neutral and non-polar, at codon 60 of the PIGG protein (p.Leu60Val). This variant is present in population databases (rs782623602, gnomAD 0.0009%). This variant has not been reported in the literature in individuals affected with PIGG-related conditions. Algorithms developed to predict the effect of missense changes on protein structure and function (SIFT, PolyPhen-2, Align-GVGD) all suggest that this variant is likely to be tolerated. Algorithms developed to predict the effect of sequence changes on RNA splicing suggest that this variant may create or strengthen a splice site. In summary, the available evidence is currently insufficient to determine the role of this variant in disease. Therefore, it has been classified as a Variant of Uncertain Significance.

NM_001127178.3(PIGG):c.178C>G (p.Leu60Val)

Gene: PIGG (phosphatidylinositol glycan anchor biosynthesis class G (EMM blood group); plus strand). Cytogenetic location: 4p16.3.
Variant type: single nucleotide variant.
Coding change: c.178C>G on transcript NM_001127178.3 (MANE Select); coding-DNA position 178, C replaced by G.
Protein change: p.Leu60Val; replaces leucine 60 with valine.
Molecular consequence: missense variant. On other transcripts: 5 prime UTR variant (10), non-coding transcript variant (10).
Genome position (GRCh38, 1-based): chr4:500,419, C>G. VCF-style: chr4-500419-C-G. GRCh37 (hg19) VCF-style: chr4-494208-C-G.
Other names: c.-90C>G (NM_001289051.2, NM_001289053.2, NM_001289057.2 and 2 more transcripts); c.178C>G, p.Leu60Val (NM_001289052.2, NM_001345989.2, NM_017733.5); c.-259C>G (NM_001289055.2); c.-710C>G (NM_001345988.2); c.-1448C>G (NM_001345990.2); c.-1310C>G (NM_001345991.2); c.-1035C>G (NM_001345994.2); c.178C>G (NM_001127178.2); short protein forms L60V.
Identifiers: ClinVar variation 2076700 (VCV002076700.2), dbSNP rs782623602, ClinGen allele CA2792931.